The following is an entry in ClinVar:

NM_000553.6(WRN):c.1190T>C (p.Ile397Thr)

Gene: WRN (WRN RecQ like helicase; plus strand). Cytogenetic location: 8p12.
Variant type: single nucleotide variant.
Coding change: c.1190T>C on transcript NM_000553.6 (MANE Select); coding-DNA position 1190, T replaced by C.
Protein change: p.Ile397Thr; replaces isoleucine 397 with threonine.
Molecular consequence: missense variant.
Genome position (GRCh38, 1-based): chr8:31,081,217, T>C. VCF-style: chr8-31081217-T-C. GRCh37 (hg19) VCF-style: chr8-30938733-T-C.
Other names: short protein forms I397T.
Identifiers: ClinVar variation 1413582 (VCV001413582.5), dbSNP rs2130120985, ClinGen allele CA370921178.
Genomic context (GRCh38, chr8:31,081,217, plus strand): 5'-GAGTAGAAGACAACAAATTGAAAGAGAATATGGAAAGAGCTTGTTTGATGTCGTTAGATA[T>C]TACAGAACATGAACTCCAAATTTTGGAACAGCAGTCTCAGGAAGAATATCTTAGTGATAT-3'
Protein context (NP_000544.2, residues 387-407): MERACLMSLD[Ile397Thr]TEHELQILEQ

ClinVar aggregate classification (germline): Uncertain significance (1 of 4 stars; one submission).

Conditions:
Werner syndrome (WRN). Identifiers: Orphanet 902, MedGen C0043119, MONDO:0010196, OMIM 277700.

Allele frequency attached by ClinVar (database versions not stated): gnomAD exomes below 0.00001.
gnomAD v4.1: 3 of 1,613,444 alleles (0.00019%); highest among the groups gnomAD compares: South Asian, 0.0011%; no homozygotes.

Submission:

Labcorp Genetics (formerly Invitae), Labcorp
Classification: Uncertain significance for Werner syndrome. Last evaluated: 2024-07-16. Review status: criteria provided, single submitter. Criteria: Invitae Variant Classification Sherloc (09022015). Collection method: clinical testing. Allele origin: germline.
Comment: This sequence change replaces isoleucine, which is neutral and non-polar, with threonine, which is neutral and polar, at codon 397 of the WRN protein (p.Ile397Thr). This variant is not present in population databases (gnomAD no frequency). This variant has not been reported in the literature in individuals affected with WRN-related conditions. ClinVar contains an entry for this variant (Variation ID: 1413582). An algorithm developed to predict the effect of missense changes on protein structure and function outputs the following: PolyPhen-2: "Benign". The threonine amino acid residue is found in multiple mammalian species, which suggests that this missense change does not adversely affect protein function. In summary, the available evidence is currently insufficient to determine the role of this variant in disease. Therefore, it has been classified as a Variant of Uncertain Significance.